The following is an entry in ClinVar:

NC_000022.11:g.40345820del

Gene: ADSL (adenylosuccinate lyase; plus strand). Cytogenetic location: 22q13.1.
Variant type: Deletion.
Genome position: GRCh38 VCF-style: chr22-40345819-CA-C. GRCh37 (hg19) VCF-style: chr22-40741823-CA-C.
Identifiers: ClinVar variation 1369664 (VCV001369664.6), dbSNP rs2146608473, ClinGen allele CA2573158335.

ClinVar aggregate classification (germline): Uncertain significance (1 of 4 stars; one submission).

Conditions:
Adenylosuccinate lyase deficiency (ADSLD). Also called: ADSL DEFICIENCY. Identifiers: Orphanet 46, MedGen C0268126, MONDO:0007068, OMIM 103050.

Submission:

Labcorp Genetics (formerly Invitae), Labcorp
Classification: Uncertain significance for Adenylosuccinate lyase deficiency. Last evaluated: 2022-08-16. Review status: criteria provided, single submitter. Criteria: Invitae Variant Classification Sherloc (09022015). Collection method: clinical testing. Allele origin: germline.
Comment: In summary, the available evidence is currently insufficient to determine the role of this variant in disease. Therefore, it has been classified as a Variant of Uncertain Significance. Experimental studies and prediction algorithms are not available or were not evaluated, and the functional significance of this variant is currently unknown. This variant has not been reported in the literature in individuals affected with ADSL-related conditions. This variant is not present in population databases (gnomAD no frequency). This variant occurs in a non-coding region of the ADSL gene. It does not change the encoded amino acid sequence of the ADSL protein.